The following is an entry in ClinVar:

NM_000465.4(BARD1):c.1941G>A (p.Gln647=)

Gene: BARD1 (BRCA1 associated RING domain 1; minus strand). Cytogenetic location: 2q35.
Variant type: single nucleotide variant.
Coding change: c.1941G>A on transcript NM_000465.4 (MANE Select); coding-DNA position 1941, G replaced by A.
Protein change: p.Gln647=; no amino-acid change (glutamine 647 retained).
Molecular consequence: synonymous variant. On other transcripts: non-coding transcript variant (3).
Genome position (GRCh38, 1-based): chr2:214,730,471, C>T on the plus strand (G>A on the coding strand, the complement: BARD1 is on the minus strand). VCF-style: chr2-214730471-C-T. GRCh37 (hg19) VCF-style: chr2-215595195-C-T.
Other names: c.1941G>A (NM_000465.2); c.1884G>A, p.Gln628= (NM_001282543.2); c.588G>A, p.Gln196= (NM_001282545.2); c.531G>A, p.Gln177= (NM_001282548.2); c.402G>A, p.Gln134= (NM_001282549.2).
Identifiers: ClinVar variation 3378837 (VCV003378837.4).

ClinVar aggregate classification (germline): Benign/Likely benign. Review status: criteria provided, multiple submitters, no conflicts (2 of 4 stars). 3 submissions from 3 submitters: Benign (1); Likely benign (2). Last evaluated 2026-05-18.

Conditions:
Hereditary cancer-predisposing syndrome. Also called: Neoplastic Syndromes, Hereditary; Tumor predisposition; Hereditary Cancer Syndrome; Hereditary neoplastic syndrome. Identifiers: Orphanet 140162, MedGen C0027672, MeSH D009386, MONDO:0015356.
Familial cancer of breast. Also called: BREAST CANCER, FAMILIAL; Hereditary breast cancer; hereditary breast carcinoma. Identifiers: Orphanet 227535, MedGen C0346153, MONDO:0016419, OMIM 114480. Disease mechanism: loss of function.

Submissions (3):

Ambry Genetics
Classification: Likely benign for Hereditary cancer-predisposing syndrome. Last evaluated: 2026-05-18. Review status: criteria provided, single submitter. Criteria: Ambry Variant Classification Scheme 2023. Collection method: clinical testing. Allele origin: germline.

Myriad Genetics, Inc.
Classification: Benign for Familial cancer of breast. Last evaluated: 2024-07-29. Review status: criteria provided, single submitter. Criteria: Myriad Autosomal Dominant, Autosomal Recessive and X-Linked Classification Criteria (2023). Collection method: clinical testing. Allele origin: unknown.
Comment: This variant is considered benign. This variant is a silent/synonymous amino acid change and it is not expected to impact splicing.

Labcorp Genetics (formerly Invitae), Labcorp
Classification: Likely benign for Familial cancer of breast. Last evaluated: 2024-06-10. Review status: criteria provided, single submitter. Criteria: Invitae Variant Classification Sherloc (09022015). Collection method: clinical testing. Allele origin: germline.